The following continues an entry in ClinVar:

NM_000051.4(ATM):c.4473C>T (p.Phe1491=)

Gene: ATM. ClinVar aggregate classification (germline): Conflicting classifications of pathogenicity. Uncertain significance (1); Benign (8); Likely benign (14).

Submissions 24 to 33 of 33:

Institute for Biomarker Research, Medical Diagnostic Laboratories, L.L.C.
Classification: Likely benign for Hereditary cancer-predisposing syndrome. Last evaluated: 2021-09-27. Review status: no assertion criteria provided. Collection method: clinical testing. Allele origin: germline. Not counted in ClinVar's aggregate classification.

Natera, Inc.
Classification: Likely benign for Ataxia-telangiectasia. Last evaluated: 2020-01-05. Review status: no assertion criteria provided. Collection method: clinical testing. Allele origin: germline. Not counted in ClinVar's aggregate classification.

True Health Diagnostics
Classification: Likely benign for Hereditary cancer-predisposing syndrome. Last evaluated: 2018-09-06. Review status: no assertion criteria provided. Collection method: clinical testing. Allele origin: germline. Not counted in ClinVar's aggregate classification.

Genome Diagnostics Laboratory, Amsterdam University Medical Center
Classification: Likely benign for Ataxia-telangiectasia syndrome. Last evaluated: 2017-03-23. Review status: no assertion criteria provided. Criteria: ACGS Guidelines, 2013. Collection method: clinical testing. Allele origin: germline. Affected: yes. Study: VKGL Data-share Consensus. Not counted in ClinVar's aggregate classification.

Clinical Genetics Laboratory, Department of Pathology, Netherlands Cancer Institute
Classification: Likely benign. Review status: no assertion criteria provided. Collection method: clinical testing. Allele origin: germline. Affected: yes. Study: VKGL Data-share Consensus. Not counted in ClinVar's aggregate classification.

Clinical Genetics, Academic Medical Center
Classification: Likely benign. Review status: no assertion criteria provided. Collection method: clinical testing. Allele origin: germline. Affected: yes. Study: VKGL Data-share Consensus. Not counted in ClinVar's aggregate classification.

Department of Pathology and Laboratory Medicine, Sinai Health System
Classification: Likely benign for Malignant tumor of breast. Review status: no assertion criteria provided. Collection method: clinical testing. Allele origin: unknown. Affected: yes. Observed: 6 variant alleles. Study: The Canadian Open Genetics Repository (COGR). Not counted in ClinVar's aggregate classification.
Comment: The ATM p.Phe1491= variant was identified in 1 of 1010 proband chromosomes (frequency: 0.001) from individuals or families with prostate cancer, breast cancer or chronic lymphocytic leukemia, and was present in 6 of 1439 control chromosomes (freq. 0.004) from healthy individuals (Skowronska_2011_21933854, Stock_2013_NA, Rosentein_2006_NA). The variant was also identified in dbSNP (ID: rs4988008) as â€šÃ„ÃºWith other alleleâ€šÃ„Ã¹, Clinvar and Clinvitae (3x classified as benign by Invitae, GeneDx, Color Genomics; 1x classified as likely benign by Ambry Genetics; 1x classified as uncertain significance by Illumina), COSMIC (1x in acute myeloid leukemia, somatic status unconfirmed), and LOVD 3.0 (2 entries, not classified) databases. The variant was not identified in the GeneInsight-COGR or MutDB databases. The variant was identified in control databases in 333 of 277018 chromosomes (0 homozygous) at a frequency of 0.001 (Genome Aggregation Database Feb 27, 2017). Breakdown of the observations by population include African in 6 of 24020 chromosomes (freq: 0.0002), Other in 9 of 6456 chromosomes (freq: 0.001), Latino in 21 of 34412 chromosomes (freq: 0.0006), European Non-Finnish in 262 of 126558 chromosomes (freq: 0.002), Ashkenazi Jewish in 22 of 10150 chromosomes (freq: 0.002), European Finnish in 13 of 25778 chromosomes (freq: 0.0005) while the variant was not observed in the East Asian and South Asian populations. The variant occurs outside of the splicing consensus sequence and in silico or computational predictions software programs (SpliceSiteFinder, MaxEntScan, NNSPLICE, GeneSplicer, HumanSpliceFinder) do not predict a difference in splicing. The p.Phe1491= variant is not expected to have clinical significance because it does not result in a change of amino acid and is not located in a known consensus splice site. In summary, based on the above information the clinical significance of this variant cannot be determined with certainty at this time although we would lean towards a more benign role for this variant. This variant is classified as likely benign.

Genome Diagnostics Laboratory, University Medical Center Utrecht
Classification: Likely benign. Review status: no assertion criteria provided. Collection method: clinical testing. Allele origin: germline. Affected: yes. Study: VKGL Data-share Consensus. Not counted in ClinVar's aggregate classification.

Joint Genome Diagnostic Labs from Nijmegen and Maastricht, Radboudumc and MUMC+
Classification: Likely benign. Review status: no assertion criteria provided. Collection method: clinical testing. Allele origin: germline. Affected: yes. Study: VKGL Data-share Consensus. Not counted in ClinVar's aggregate classification.

Laboratory of Diagnostic Genome Analysis, Leiden University Medical Center (LUMC)
Classification: Likely benign. Review status: no assertion criteria provided. Collection method: clinical testing. Allele origin: germline. Affected: yes. Study: VKGL Data-share Consensus. Not counted in ClinVar's aggregate classification.

Literature cited by the submitters: PubMed 15629612 (cited by Quest Diagnostics Nichols Institute San Juan Capistrano and Athena Diagnostics); PubMed 21933854 (cited by 3 submitters); PubMed 16035317 (cited by Quest Diagnostics Nichols Institute San Juan Capistrano and Athena Diagnostics); PubMed 17490827 (cited by 3 submitters); PubMed 12810666 (cited by Women's Health and Genetics/Laboratory Corporation of America, LabCorp); PubMed 17623063 (cited by Women's Health and Genetics/Laboratory Corporation of America, LabCorp); PubMed 20305132 (cited by Women's Health and Genetics/Laboratory Corporation of America, LabCorp); PubMed 11468183 (cited by Women's Health and Genetics/Laboratory Corporation of America, LabCorp).